The following is an entry in ClinVar:

NM_001370658.1(BTD):c.-16-2A>G

Gene: BTD (biotinidase; plus strand). Cytogenetic location: 3p25.1.
Variant type: single nucleotide variant.
Coding change: c.-16-2A>G on transcript NM_001370658.1 (MANE Select); the canonical splice acceptor site of the intron before 16 bases upstream of the start codon, A replaced by G.
Molecular consequence: splice acceptor variant. On other transcripts: 5 prime UTR variant (4).
Genome position (GRCh38, 1-based): chr3:15,635,422, A>G. VCF-style: chr3-15635422-A-G. GRCh37 (hg19) VCF-style: chr3-15676929-A-G.
Other names: c.-18A>G (NM_001281723.4, NM_001407379.1, NM_001407399.1 and 1 more transcripts); c.-16-2A>G (NM_001407365.1, NM_001370752.1, NM_001370753.1 and 33 more transcripts).
Identifiers: ClinVar variation 2032396 (VCV002032396.4), dbSNP rs1243427154, ClinGen allele CA351602680.

ClinVar aggregate classification (germline): Uncertain significance (1 of 4 stars; one submission).

Conditions:
Biotinidase deficiency. Also called: Biotin deficiency; BTD deficiency; Late-onset biotin-responsive multiple carboxylase deficiency. Identifiers: Orphanet 79241, MedGen C0220754, MONDO:0009665, OMIM 253260.

Allele frequency attached by ClinVar (database versions not stated): gnomAD exomes below 0.00001.
gnomAD v4.1: 1 of 1,614,212 alleles (0.000062%); highest among the groups gnomAD compares: Admixed American, 0.0017%; no homozygotes.

Submission:

Labcorp Genetics (formerly Invitae), Labcorp
Classification: Uncertain significance for Biotinidase deficiency. Last evaluated: 2023-04-29. Review status: criteria provided, single submitter. Criteria: Invitae Variant Classification Sherloc (09022015). Collection method: clinical testing. Allele origin: germline.
Comment: In summary, the available evidence is currently insufficient to determine the role of this variant in disease. Therefore, it has been classified as a Variant of Uncertain Significance. Variants that disrupt the consensus splice site are a relatively common cause of aberrant splicing (PMID: 17576681, 9536098). Algorithms developed to predict the effect of sequence changes on RNA splicing suggest that this variant may disrupt the consensus splice site. ClinVar contains an entry for this variant (Variation ID: 2032396). Disruption of this splice site has been observed in individual(s) with biotinidase deficiency (Invitae). This variant is present in population databases (no rsID available, gnomAD 0.003%). This sequence change affects an acceptor splice site in intron 1 of the BTD gene. However, it is currently unclear if variants that occur in this region of the gene cause disease.

Literature cited by the submitters: PubMed 17576681; PubMed 9536098.